The following is an entry in ClinVar:

NM_000138.5(FBN1):c.2137A>G (p.Ser713Gly)

Gene: FBN1 (fibrillin 1; minus strand). Cytogenetic location: 15q21.1.
Variant type: single nucleotide variant.
Coding change: c.2137A>G on transcript NM_000138.5 (MANE Select); coding-DNA position 2137, A replaced by G.
Protein change: p.Ser713Gly; replaces serine 713 with glycine.
Molecular consequence: missense variant.
Genome position (GRCh38, 1-based): chr15:48,499,015, T>C on the plus strand (A>G on the coding strand, the complement: FBN1 is on the minus strand). VCF-style: chr15-48499015-T-C. GRCh37 (hg19) VCF-style: chr15-48791212-T-C.
Other names: c.2137A>G, p.Ser713Gly (NM_001406716.1); short protein forms S713G.
Identifiers: ClinVar variation 3073978 (VCV003073978.2), dbSNP rs2505580359, ClinGen allele CA392336289.

ClinVar aggregate classification (germline): Uncertain significance. Review status: criteria provided, multiple submitters, no conflicts (2 of 4 stars). 2 submissions from 2 submitters: Uncertain significance (2). Last evaluated 2025-08-24.

Conditions:
Familial thoracic aortic aneurysm and aortic dissection (TAAD). Also called: Thoracic aortic aneurysms and dissections. Identifiers: Orphanet 91387, MedGen C4707243, MONDO:0019625.
Marfan syndrome (MFS). Also called: MARFAN SYNDROME, TYPE I; Marfan syndrome type 1; Marfan's syndrome; Marfan syndrome, classic; FBN1-Related Marfan Syndrome. Identifiers: Orphanet 284963, Orphanet 558, MedGen C0024796, MONDO:0007947, OMIM 154700.

Allele frequency attached by ClinVar (database versions not stated): gnomAD exomes below 0.00001.
gnomAD v4.1: 3 of 1,614,234 alleles (0.00019%); highest among the groups gnomAD compares: Admixed American, 0.0033%; no homozygotes.

Submissions (2):

Color Diagnostics, LLC DBA Color Health
Classification: Uncertain significance for Familial thoracic aortic aneurysm and aortic dissection. Last evaluated: 2025-08-24. Review status: criteria provided, single submitter. Criteria: ACMG Guidelines, 2015. Collection method: clinical testing. Allele origin: germline.
Comment: This missense variant replaces serine with glycine at codon 713 of the FBN1 protein. Computational prediction is inconclusive regarding the impact of this variant on protein structure and function. To our knowledge, functional studies have not been reported for this variant. This variant has not been reported in individuals affected with FBN1-related disorders in the literature. This variant has not been identified in the general population by the Genome Aggregation Database (gnomAD). The available evidence is insufficient to determine the role of this variant in disease conclusively. Therefore, this variant is classified as a Variant of Uncertain Significance.

All of Us Research Program, National Institutes of Health
Classification: Uncertain significance for Marfan syndrome. Last evaluated: 2023-11-30. Review status: criteria provided, single submitter. Criteria: ACMG Guidelines, 2015. Collection method: clinical testing. Allele origin: germline. Inheritance: Autosomal dominant inheritance. Observed: 1 variant allele, 1 heterozygote.
Comment: This study involves interpretation of variants in research participants for the purpose of population health screening. Participant phenotype was not available at the time of variant classification. Additional details can be found in publication PMID: 35346344, PMCID: PMC8962531